The following is an entry in ClinVar:

ClinVar aggregate classification (germline): Likely benign (0 of 4 stars; one submission).

Conditions:
TRPC5-related disorder. Also called: TRPC5-related condition.

Allele frequency attached by ClinVar (database versions not stated): gnomAD exomes 0.00003; ExAC 0.00009; TOPMed 0.00043; gnomAD 0.00045; ESP Exome Variant Server 0.00066.
gnomAD v4.1: 84 of 1,209,981 alleles (0.0069%); highest among the groups gnomAD compares: African/African-American, 0.14%; no homozygotes.

Submission:

PreventionGenetics, part of Exact Sciences
Classification: Likely benign for TRPC5-related condition. Last evaluated: 2022-02-17. Review status: no assertion criteria provided. Collection method: clinical testing. Allele origin: germline.
Comment: This variant is classified as likely benign based on ACMG/AMP sequence variant interpretation guidelines (Richards et al. 2015 PMID: 25741868, with internal and published modifications).

NM_012471.3(TRPC5):c.54C>T (p.Ile18=)

Gene: TRPC5 (transient receptor potential cation channel subfamily C member 5; minus strand). Cytogenetic location: Xq23.
Variant type: single nucleotide variant.
Coding change: c.54C>T on transcript NM_012471.3 (MANE Select); coding-DNA position 54, C replaced by T.
Protein change: p.Ile18=; no amino-acid change (isoleucine 18 retained).
Molecular consequence: synonymous variant.
Genome position (GRCh38, 1-based): chrX:111,952,367, G>A on the plus strand (C>T on the coding strand, the complement: TRPC5 is on the minus strand). VCF-style: chrX-111952367-G-A. GRCh37 (hg19) VCF-style: chrX-111195595-G-A.
Identifiers: ClinVar variation 3051440 (VCV003051440.2), dbSNP rs142387288, ClinGen allele CA10494457.